The following is an entry in ClinVar:

ClinVar aggregate classification (germline): Likely pathogenic (1 of 4 stars; one submission).

Conditions:
Inborn genetic diseases. Identifiers: MedGen C0950123, MeSH D030342.

Submission:

Ambry Genetics
Classification: Likely pathogenic for Inborn genetic diseases. Last evaluated: 2021-06-14. Review status: criteria provided, single submitter. Criteria: Ambry Variant Classification Scheme 2023. Collection method: clinical testing. Allele origin: germline.
Comment: The c.1033T>G (p.C345G) alteration is located in coding exon 10 of the DPF2 gene. This alteration results from a T to G substitution at nucleotide position 1033, causing the cysteine (C) at amino acid position 345 to be replaced by a glycine (G). Based on data from the Genome Aggregation Database (gnomAD), the DPF2 c.1033T>G alteration was not observed, with coverage at this position. This amino acid position is highly conserved in available vertebrate species. This missense alteration is located in a region that has a low rate of benign missense variation (Lek, 2016; Firth, 2009). The p.C345G amino acid is located in the Cys4 motif which is involved in the coordination of a zinc atom in the PHD2 motif that is essential for histone-binding (Huber, 2017). There have been four patients reported with de novo missense alterations located in the PHD2 domain indicating that this motif is important for protein function (Vasileiou, 2018). Based on internal structural analysis, p.C345G decreases the structural stability of the DPF2 protein (Huber, 2017). The p.C345G alteration is predicted to be deleterious by in silico analysis. Based on the available evidence, this alteration is classified as likely pathogenic.

Literature cited by the submitters: PubMed 28533407; PubMed 29429572.

NM_006268.5(DPF2):c.1033T>G (p.Cys345Gly)

Gene: DPF2 (double PHD fingers 2; plus strand). Cytogenetic location: 11q13.1.
Variant type: single nucleotide variant.
Coding change: c.1033T>G on transcript NM_006268.5 (MANE Select); coding-DNA position 1033, T replaced by G.
Protein change: p.Cys345Gly; replaces cysteine 345 with glycine.
Molecular consequence: missense variant.
Genome position (GRCh38, 1-based): chr11:65,348,865, T>G. VCF-style: chr11-65348865-T-G. GRCh37 (hg19) VCF-style: chr11-65116336-T-G.
Other names: c.1075T>G, p.Cys359Gly (NM_001330308.2); short protein forms C345G, C359G.
Identifiers: ClinVar variation 986144 (VCV000986144.4), dbSNP rs1854614432, ClinGen allele CA381232460.